The following is an entry in ClinVar:

ClinVar aggregate classification (germline): Likely benign. Review status: criteria provided, multiple submitters, no conflicts (2 of 4 stars). 3 submissions from 3 submitters: Likely benign (2). 1 of the submissions does not count toward it. Last evaluated 2026-01-26.

Conditions:
TONSL-related disorder. Also called: TONSL-related condition.

Allele frequency attached by ClinVar (database versions not stated): 1000 Genomes Project 0.00160; ESP Exome Variant Server 0.00116; 1000 Genomes Project 30x 0.00156.

Submissions (3):

Labcorp Genetics (formerly Invitae), Labcorp
Classification: Likely benign. Last evaluated: 2026-01-26. Review status: criteria provided, single submitter. Criteria: Invitae Variant Classification Sherloc (09022015). Collection method: clinical testing. Allele origin: germline.

Breakthrough Genomics
Classification: Likely benign. Review status: criteria provided, single submitter. Criteria: ACMG Guidelines, 2015. Collection method: not provided. Allele origin: germline. Inheritance: Autosomal recessive inheritance. Affected: yes.

PreventionGenetics, part of Exact Sciences
Classification: Likely benign for TONSL-related condition. Last evaluated: 2019-11-26. Review status: no assertion criteria provided. Collection method: clinical testing. Allele origin: germline. Not counted in ClinVar's aggregate classification.
Comment: This variant is classified as likely benign based on ACMG/AMP sequence variant interpretation guidelines (Richards et al. 2015 PMID: 25741868, with internal and published modifications).

NM_013432.5(TONSL):c.2624G>C (p.Arg875Pro)

Genes: TONSL (tonsoku like, DNA repair protein; minus strand), TONSL-AS1 (TONSL antisense RNA 1; plus strand). Cytogenetic location: 8q24.3.
Variant type: single nucleotide variant.
Coding change: c.2624G>C on transcript NM_013432.5 (MANE Select); coding-DNA position 2624, G replaced by C.
Protein change: p.Arg875Pro; replaces arginine 875 with proline.
Molecular consequence: missense variant.
Genome position (GRCh38, 1-based): chr8:144,435,809, C>G on the plus strand (G>C on the coding strand, the complement: TONSL is on the minus strand). VCF-style: chr8-144435809-C-G. GRCh37 (hg19) VCF-style: chr8-145661192-C-G.
Other names: c.2624G>C (NM_013432.4); short protein forms R875P.
Identifiers: ClinVar variation 1652159 (VCV001652159.10), dbSNP rs147256304, ClinGen allele CA4942769.